The following is an entry in ClinVar:

ClinVar aggregate classification (germline): Uncertain significance (1 of 4 stars; one submission).

Conditions:
Hereditary cancer-predisposing syndrome. Also called: Neoplastic Syndromes, Hereditary; Tumor predisposition; Hereditary neoplastic syndrome; Hereditary Cancer Syndrome. Identifiers: Orphanet 140162, MedGen C0027672, MeSH D009386, MONDO:0015356.

Submission:

Ambry Genetics
Classification: Uncertain significance for Hereditary cancer-predisposing syndrome. Last evaluated: 2024-04-13. Review status: criteria provided, single submitter. Criteria: Ambry Variant Classification Scheme 2023. Collection method: clinical testing. Allele origin: germline.
Comment: The p.G392C variant (also known as c.1174G>T), located in coding exon 9 of the SDHA gene, results from a G to T substitution at nucleotide position 1174. The glycine at codon 392 is replaced by cysteine, an amino acid with highly dissimilar properties. This amino acid position is conserved. In addition, this alteration is predicted to be deleterious by in silico analysis. Based on the available evidence, the clinical significance of this variant remains unclear.

NM_004168.4(SDHA):c.1174G>T (p.Gly392Cys)

Gene: SDHA (succinate dehydrogenase complex flavoprotein subunit A; plus strand). Cytogenetic location: 5p15.33.
Variant type: single nucleotide variant.
Coding change: c.1174G>T on transcript NM_004168.4 (MANE Select); coding-DNA position 1174, G replaced by T.
Protein change: p.Gly392Cys; replaces glycine 392 with cysteine.
Molecular consequence: missense variant.
Genome position (GRCh38, 1-based): chr5:235,253, G>T. VCF-style: chr5-235253-G-T. GRCh37 (hg19) VCF-style: chr5-235368-G-T.
Other names: c.1030G>T, p.Gly344Cys (NM_001294332.2); c.1174G>T, p.Gly392Cys (NM_001330758.2); short protein forms G344C, G392C.
Identifiers: ClinVar variation 3316833 (VCV003316833.1).